The following is an entry in ClinVar:

NM_032520.5(GNPTG):c.532C>T (p.Pro178Ser)

Gene: GNPTG (N-acetylglucosamine-1-phosphate transferase subunit gamma; plus strand). Cytogenetic location: 16p13.3.
Variant type: single nucleotide variant.
Coding change: c.532C>T on transcript NM_032520.5 (MANE Select); coding-DNA position 532, C replaced by T.
Protein change: p.Pro178Ser; replaces proline 178 with serine.
Molecular consequence: missense variant.
Genome position (GRCh38, 1-based): chr16:1,362,457, C>T. VCF-style: chr16-1362457-C-T. GRCh37 (hg19) VCF-style: chr16-1412458-C-T.
Other names: short protein forms P178S.
Identifiers: ClinVar variation 1062904 (VCV001062904.7), dbSNP rs553046300, ClinGen allele CA7807795.

ClinVar aggregate classification (germline): Uncertain significance. Review status: criteria provided, single submitter (1 of 4 stars). 2 submissions from 2 submitters: Uncertain significance (1). 1 of the submissions does not count toward it. Last evaluated 2025-12-24.

Conditions:
GNPTG-mucolipidosis. Also called: MUCOLIPIDOSIS III, COMPLEMENTATION GROUP C; MUCOLIPIDOSIS III, IRANIAN VARIANT FORM; MUCOLIPIDOSIS III, VARIANT FORM; Mucolipidosis type III gamma; ML III GAMMA; ML IIIC. Identifiers: Orphanet 423470, Orphanet 577, MedGen C1854896, MONDO:0009652, OMIM 252605.

Allele frequency attached by ClinVar (database versions not stated): gnomAD exomes 0.00001 and 0.00003; ExAC 0.00003; gnomAD 0.00003; TOPMed 0.00006; 1000 Genomes Project 30x 0.00016; 1000 Genomes Project 0.00020.
gnomAD v4.1: 13 of 1,613,902 alleles (0.00081%); highest among the groups gnomAD compares: African/African-American, 0.016%; no homozygotes.

Submissions (2):

Labcorp Genetics (formerly Invitae), Labcorp
Classification: Uncertain significance. Last evaluated: 2025-12-24. Review status: criteria provided, single submitter. Criteria: Invitae Variant Classification Sherloc (09022015). Collection method: clinical testing. Allele origin: germline.
Comment: This sequence change replaces proline, which is neutral and non-polar, with serine, which is neutral and polar, at codon 178 of the GNPTG protein (p.Pro178Ser). This variant is present in population databases (rs553046300, gnomAD 0.04%). This variant has not been reported in the literature in individuals affected with GNPTG-related conditions. ClinVar contains an entry for this variant (Variation ID: 1062904). Invitae Evidence Modeling of protein sequence and biophysical properties (such as structural, functional, and spatial information, amino acid conservation, physicochemical variation, residue mobility, and thermodynamic stability) indicates that this missense variant is expected to disrupt GNPTG protein function with a positive predictive value of 80%. In summary, the available evidence is currently insufficient to determine the role of this variant in disease. Therefore, it has been classified as a Variant of Uncertain Significance.

Natera, Inc.
Classification: Uncertain significance for Mucolipidosis III gamma. Last evaluated: 2021-07-13. Review status: no assertion criteria provided. Collection method: clinical testing. Allele origin: germline. Not counted in ClinVar's aggregate classification.